The following is an entry in ClinVar:

ClinVar aggregate classification (germline): Uncertain significance. Review status: criteria provided, multiple submitters, no conflicts (2 of 4 stars). 2 submissions from 2 submitters: Uncertain significance (2). Last evaluated 2022-08-30.

Conditions:
Cardiovascular phenotype. Identifiers: MedGen CN230736.
Catecholaminergic polymorphic ventricular tachycardia 1. Also called: RYR2-Related Catecholaminergic Polymorphic Ventricular Tachycardia; VENTRICULAR TACHYCARDIA, CATECHOLAMINERGIC POLYMORPHIC, 1, WITH OR WITHOUT ATRIAL DYSFUNCTION AND/OR DILATED CARDIOMYOPATHY; VENTRICULAR TACHYCARDIA, STRESS-INDUCED POLYMORPHIC 1. Identifiers: Orphanet 3286, MedGen C1631597, MONDO:0011484, OMIM 604772.

Allele frequency attached by ClinVar (database versions not stated): gnomAD exomes 0.00001.
gnomAD v4.1: 12 of 1,580,588 alleles (0.00076%); highest among the groups gnomAD compares: Non-Finnish European, 0.001%; no homozygotes.

Submissions (2):

Ambry Genetics
Classification: Uncertain significance for Cardiovascular phenotype. Last evaluated: 2022-08-30. Review status: criteria provided, single submitter. Criteria: Ambry Variant Classification Scheme 2023. Collection method: clinical testing. Allele origin: germline.
Comment: The p.K2264N variant (also known as c.6792G>C), located in coding exon 44 of the RYR2 gene, results from a G to C substitution at nucleotide position 6792. The lysine at codon 2264 is replaced by asparagine, an amino acid with similar properties. However, this change occurs in the last base pair of coding exon 44, which makes it likely to have some effect on normal mRNA splicing. A different nucleotide substitution (c.6792G>T) resulting in the same amino acid change has been detected in an individual reported to have dilated cardiomyopathy; however, details were limited (Smith E et al. J Am Heart Assoc, 2022 05;11:e024501). These nucleotide and amino acid positions are highly conserved in available vertebrate species. In silico splice site analysis for this alteration is inconclusive. As a missense substitution this alteration is predicted to be tolerated by in silico analysis. In addition, loss of function of RYR2 has not been established as a mechanism of disease. Since supporting evidence is limited at this time, the clinical significance of this alteration remains unclear.

Labcorp Genetics (formerly Invitae), Labcorp
Classification: Uncertain significance for Catecholaminergic polymorphic ventricular tachycardia 1. Last evaluated: 2022-08-30. Review status: criteria provided, single submitter. Criteria: Invitae Variant Classification Sherloc (09022015). Collection method: clinical testing. Allele origin: germline.
Comment: In summary, the available evidence is currently insufficient to determine the role of this variant in disease. Therefore, it has been classified as a Variant of Uncertain Significance. Variants that disrupt the consensus splice site are a relatively common cause of aberrant splicing (PMID: 17576681, 9536098). Algorithms developed to predict the effect of sequence changes on RNA splicing suggest that this variant may disrupt the consensus splice site. Algorithms developed to predict the effect of missense changes on protein structure and function (SIFT, PolyPhen-2, Align-GVGD) all suggest that this variant is likely to be disruptive. ClinVar contains an entry for this variant (Variation ID: 1026350). This variant has not been reported in the literature in individuals affected with RYR2-related conditions. This variant is not present in population databases (gnomAD no frequency). This sequence change replaces lysine, which is basic and polar, with asparagine, which is neutral and polar, at codon 2264 of the RYR2 protein (p.Lys2264Asn). This variant also falls at the last nucleotide of exon 44, which is part of the consensus splice site for this exon.

Literature cited by the submitters: PubMed 35470680 (cited by Ambry Genetics); PubMed 17576681 (cited by Labcorp Genetics (formerly Invitae), Labcorp); PubMed 9536098 (cited by Labcorp Genetics (formerly Invitae), Labcorp).

NM_001035.3(RYR2):c.6792G>C (p.Lys2264Asn)

Gene: RYR2 (ryanodine receptor 2; plus strand). Cytogenetic location: 1q43.
Variant type: single nucleotide variant.
Coding change: c.6792G>C on transcript NM_001035.3 (MANE Select); coding-DNA position 6792, G replaced by C.
Protein change: p.Lys2264Asn; replaces lysine 2264 with asparagine.
Molecular consequence: missense variant.
Genome position (GRCh38, 1-based): chr1:237,634,992, G>C. VCF-style: chr1-237634992-G-C. GRCh37 (hg19) VCF-style: chr1-237798292-G-C.
Other names: short protein forms K2264N.
Identifiers: ClinVar variation 1026350 (VCV001026350.12), dbSNP rs1680728738, ClinGen allele CA345394960.